The following is an entry in ClinVar:

ClinVar aggregate classification (germline): Uncertain significance (1 of 4 stars; one submission).

Conditions:
Hyperekplexia 3 (HKPX3). Also called: HYPEREKPLEXIA 3, AUTOSOMAL RECESSIVE; HYPEREKPLEXIA 3, AUTOSOMAL DOMINANT. Identifiers: Orphanet 3197, MedGen C3553288, MONDO:0013827, OMIM 614618.

Allele frequency attached by ClinVar (database versions not stated): TOPMed below 0.00001.
gnomAD v4.1: 5 of 1,614,052 alleles (0.00031%); highest among the groups gnomAD compares: East Asian, 0.0022%; no homozygotes.

Submission:

Labcorp Genetics (formerly Invitae), Labcorp
Classification: Uncertain significance for Hyperekplexia 3. Last evaluated: 2022-06-20. Review status: criteria provided, single submitter. Criteria: Invitae Variant Classification Sherloc (09022015). Collection method: clinical testing. Allele origin: germline.
Comment: This sequence change replaces valine, which is neutral and non-polar, with methionine, which is neutral and non-polar, at codon 134 of the SLC6A5 protein (p.Val134Met). This variant is present in population databases (no rsID available, gnomAD 0.007%). This variant has not been reported in the literature in individuals affected with SLC6A5-related conditions. Advanced modeling of protein sequence and biophysical properties (such as structural, functional, and spatial information, amino acid conservation, physicochemical variation, residue mobility, and thermodynamic stability) performed at Invitae indicates that this missense variant is not expected to disrupt SLC6A5 protein function. In summary, the available evidence is currently insufficient to determine the role of this variant in disease. Therefore, it has been classified as a Variant of Uncertain Significance.

NM_004211.5(SLC6A5):c.400G>A (p.Val134Met)

Gene: SLC6A5 (solute carrier family 6 member 5; plus strand). Cytogenetic location: 11p15.1.
Variant type: single nucleotide variant.
Coding change: c.400G>A on transcript NM_004211.5 (MANE Select); coding-DNA position 400, G replaced by A.
Protein change: p.Val134Met; replaces valine 134 with methionine.
Molecular consequence: missense variant. On other transcripts: 5 prime UTR variant (1).
Genome position (GRCh38, 1-based): chr11:20,601,525, G>A. VCF-style: chr11-20601525-G-A. GRCh37 (hg19) VCF-style: chr11-20623071-G-A.
Other names: c.-164G>A (NM_001318369.2); short protein forms V134M.
Identifiers: ClinVar variation 1938766 (VCV001938766.2), dbSNP rs561866100, ClinGen allele CA379912122.